The following is an entry in ClinVar:

ClinVar aggregate classification (germline): Uncertain significance. Review status: criteria provided, multiple submitters, no conflicts (2 of 4 stars). 2 submissions from 2 submitters: Uncertain significance (2). Last evaluated 2023-12-11.

Conditions:
Familial sleep-related hypermotor epilepsy. Also called: Autosomal Dominant Sleep-Related Hypermotor (Hyperkinetic) Epilepsy. Identifiers: Orphanet 98784, MedGen C3696898, MONDO:0000030.

Allele frequency attached by ClinVar (database versions not stated): gnomAD 0.00004; ESP Exome Variant Server 0.00008; TOPMed 0.00001; ExAC 0.00002; gnomAD exomes 0.00002.

Submissions (2):

Ambry Genetics
Classification: Uncertain significance. Last evaluated: 2023-12-11. Review status: criteria provided, single submitter. Criteria: Ambry Variant Classification Scheme 2023. Collection method: clinical testing. Allele origin: germline.

Labcorp Genetics (formerly Invitae), Labcorp
Classification: Uncertain significance for Familial sleep-related hypermotor epilepsy. Last evaluated: 2021-09-01. Review status: criteria provided, single submitter. Criteria: Invitae Variant Classification Sherloc (09022015). Collection method: clinical testing. Allele origin: germline.
Comment: This sequence change replaces arginine with tryptophan at codon 55 of the PRIMA1 protein (p.Arg55Trp). The arginine residue is highly conserved and there is a moderate physicochemical difference between arginine and tryptophan. This variant is present in population databases (rs146599561, ExAC 0.03%). This variant has not been reported in the literature in individuals affected with PRIMA1-related conditions. Algorithms developed to predict the effect of missense changes on protein structure and function (SIFT, PolyPhen-2, Align-GVGD) all suggest that this variant is likely to be disruptive. In summary, the available evidence is currently insufficient to determine the role of this variant in disease. Therefore, it has been classified as a Variant of Uncertain Significance.

NM_178013.4(PRIMA1):c.163C>T (p.Arg55Trp)

Gene: PRIMA1 (proline rich membrane anchor 1; minus strand). Cytogenetic location: 14q32.12.
Variant type: single nucleotide variant.
Coding change: c.163C>T on transcript NM_178013.4 (MANE Select); coding-DNA position 163, C replaced by T.
Protein change: p.Arg55Trp; replaces arginine 55 with tryptophan.
Molecular consequence: missense variant.
Genome position (GRCh38, 1-based): chr14:93,779,242, G>A on the plus strand (C>T on the coding strand, the complement: PRIMA1 is on the minus strand). VCF-style: chr14-93779242-G-A. GRCh37 (hg19) VCF-style: chr14-94245588-G-A.
Other names: c.163C>T (NM_178013.3); short protein forms R55W.
Identifiers: ClinVar variation 1359842 (VCV001359842.6), dbSNP rs146599561, ClinGen allele CA7323094.